The following is an entry in ClinVar:

NM_021930.6(RINT1):c.826A>C (p.Lys276Gln)

Gene: RINT1 (RAD50 interactor 1; plus strand). Cytogenetic location: 7q22.3.
Variant type: single nucleotide variant.
Coding change: c.826A>C on transcript NM_021930.6 (MANE Select); coding-DNA position 826, A replaced by C.
Protein change: p.Lys276Gln; replaces lysine 276 with glutamine.
Molecular consequence: missense variant. On other transcripts: 5 prime UTR variant (2), non-coding transcript variant (1), intron variant (1).
Genome position (GRCh38, 1-based): chr7:105,547,320, A>C. VCF-style: chr7-105547320-A-C. GRCh37 (hg19) VCF-style: chr7-105187767-A-C.
Other names: c.592A>C, p.Lys198Gln (NM_001346599.2); c.-194A>C (NM_001346600.2); c.-97A>C (NM_001346601.2); c.-27-2735A>C (NM_001346603.2); short protein forms K198Q, K276Q.
Identifiers: ClinVar variation 4154591 (VCV004154591.1).

ClinVar aggregate classification (germline): Uncertain significance (1 of 4 stars; one submission).

gnomAD v4.1: 1 of 1,614,144 alleles (0.000062%); highest among the groups gnomAD compares: Non-Finnish European, 0.000085%; no homozygotes.

Submission:

Ambry Genetics
Classification: Uncertain significance. Last evaluated: 2025-07-12. Review status: criteria provided, single submitter. Criteria: Ambry Variant Classification Scheme 2023. Collection method: clinical testing. Allele origin: germline.
Comment: The p.K276Q variant (also known as c.826A>C), located in coding exon 6 of the RINT1 gene, results from an A to C substitution at nucleotide position 826. The lysine at codon 276 is replaced by glutamine, an amino acid with similar properties. This amino acid position is conserved. In addition, this alteration is predicted to be tolerated by in silico analysis. Based on the available evidence, the clinical significance of this variant remains unclear.